The following is an entry in ClinVar:

ClinVar aggregate classification (germline): Conflicting classifications of pathogenicity. Review status: criteria provided, conflicting classifications (1 of 4 stars). 3 submissions from 3 submitters: Uncertain significance (1); Likely benign (2). Last evaluated 2022-10-24.

Conditions:
MHC class I deficiency. Identifiers: Orphanet 34592, MedGen C6024714, MONDO:0011476.
Inborn genetic diseases. Identifiers: MedGen C0950123, MeSH D030342.

Allele frequency attached by ClinVar (database versions not stated): gnomAD exomes 0.00003 and 0.00009; gnomAD 0.00005 and 0.00009; ExAC 0.00006; TOPMed 0.00019.
gnomAD v4.1: 59 of 1,613,024 alleles (0.0037%); highest among the groups gnomAD compares: Admixed American, 0.062%; no homozygotes.

Submissions (3):

Labcorp Genetics (formerly Invitae), Labcorp
Classification: Uncertain significance for MHC class I deficiency 1. Last evaluated: 2022-10-24. Review status: criteria provided, single submitter. Criteria: Invitae Variant Classification Sherloc (09022015). Collection method: clinical testing. Allele origin: germline.
Comment: This sequence change replaces arginine, which is basic and polar, with glutamine, which is neutral and polar, at codon 417 of the TAP1 protein (p.Arg417Gln). This variant is present in population databases (rs754828996, gnomAD 0.06%). This variant has not been reported in the literature in individuals affected with TAP1-related conditions. ClinVar contains an entry for this variant (Variation ID: 834634). Algorithms developed to predict the effect of missense changes on protein structure and function output the following: SIFT: "Tolerated"; PolyPhen-2: "Benign"; Align-GVGD: "Class C0". The glutamine amino acid residue is found in multiple mammalian species, which suggests that this missense change does not adversely affect protein function. In summary, the available evidence is currently insufficient to determine the role of this variant in disease. Therefore, it has been classified as a Variant of Uncertain Significance.

Ambry Genetics
Classification: Likely benign for Inborn genetic diseases. Last evaluated: 2022-07-20. Review status: criteria provided, single submitter. Criteria: Ambry Variant Classification Scheme 2023. Collection method: clinical testing. Allele origin: germline.

Blueprint Genetics
Classification: Likely benign. Last evaluated: 2022-04-06. Review status: criteria provided, single submitter. Criteria: ACMG Guidelines, 2015. Collection method: clinical testing. Allele origin: germline.

NM_000593.6(TAP1):c.1070G>A (p.Arg357Gln)

Gene: TAP1 (transporter 1, ATP binding cassette subfamily B member; minus strand). Cytogenetic location: 6p21.32.
Variant type: single nucleotide variant.
Coding change: c.1070G>A on transcript NM_000593.6 (MANE Select); coding-DNA position 1070, G replaced by A.
Protein change: p.Arg357Gln; replaces arginine 357 with glutamine.
Molecular consequence: missense variant.
Genome position (GRCh38, 1-based): chr6:32,850,498, C>T on the plus strand (G>A on the coding strand, the complement: TAP1 is on the minus strand). VCF-style: chr6-32850498-C-T. GRCh37 (hg19) VCF-style: chr6-32818275-C-T.
Other names: c.467G>A, p.Arg156Gln (NM_001292022.2); short protein forms R156Q, R417Q, R357Q.
Identifiers: ClinVar variation 834634 (VCV000834634.5), dbSNP rs754828996, ClinGen allele CA3746861.